The following is an entry in ClinVar:

ClinVar aggregate classification (germline): Uncertain significance (1 of 4 stars; one submission).

Conditions:
Neurodevelopmental disorder with coarse facies and mild distal skeletal abnormalities. Also called: STOLERMAN NEURODEVELOPMENTAL SYNDROME. Identifiers: MedGen C5193134, MONDO:0032790, OMIM 618505.

Submission:

OLLIN Analises Genomicas, OLLIN
Classification: Uncertain significance for Neurodevelopmental disorder with coarse facies and mild distal skeletal abnormalities. Last evaluated: 2026-08-06. Review status: criteria provided, single submitter. Criteria: ACMG Guidelines 2015 PMID 25741868. Collection method: clinical testing. Allele origin: germline. Inheritance: Autosomal dominant inheritance.
Comment: This missense variant, located in exon 12 (of 24), has been observed in gnomAD with an allele frequency of 0.00309%, but has not been reported in ClinVar or identified in the literature. In silico analysis predicts that this variant has a tolerated effect. According to the currently available evidence, this variant has been classified as uncertain significance (BP4_M).

NM_001348716.2(KDM6B):c.2986C>T (p.Arg996Cys)

Gene: KDM6B (lysine demethylase 6B; plus strand). Cytogenetic location: 17p13.1.
Variant type: single nucleotide variant.
Coding change: c.2986C>T on transcript NM_001348716.2 (MANE Select); coding-DNA position 2986, C replaced by T.
Protein change: p.Arg996Cys; replaces arginine 996 with cysteine.
Molecular consequence: missense variant.
Genome position (GRCh38, 1-based): chr17:7,849,274, C>T. VCF-style: chr17-7849274-C-T. GRCh37 (hg19) VCF-style: chr17-7752592-C-T.
Other names: c.2986C>T, p.Arg996Cys (NM_001080424.2); short protein forms R996C.
Identifiers: ClinVar variation 5002684 (VCV005002684.1).